The following is an entry in ClinVar:

ClinVar aggregate classification (germline): Likely benign. Review status: criteria provided, multiple submitters, no conflicts (2 of 4 stars). 3 submissions from 3 submitters: Likely benign (2). 1 of the submissions does not count toward it. Last evaluated 2025-12-30.

Conditions:
COL18A1-related disorder. Also called: COL18A1-related disorders; COL18A1-related condition.

Allele frequency attached by ClinVar (database versions not stated): ExAC 0.00001; gnomAD 0.00001; gnomAD exomes 0.00001 and 0.00002; TOPMed 0.00001.
gnomAD v4.1: 24 of 1,613,872 alleles (0.0015%); highest among the groups gnomAD compares: Middle Eastern, 0.049%; no homozygotes.

Submissions (3):

Labcorp Genetics (formerly Invitae), Labcorp
Classification: Likely benign. Last evaluated: 2025-12-30. Review status: criteria provided, single submitter. Criteria: Invitae Variant Classification Sherloc (09022015). Collection method: clinical testing. Allele origin: germline.

Blueprint Genetics
Classification: Likely benign. Last evaluated: 2024-05-14. Review status: criteria provided, single submitter. Criteria: ACMG Guidelines, 2015. Collection method: clinical testing. Allele origin: germline.

PreventionGenetics, part of Exact Sciences
Classification: Likely benign for COL18A1-related condition. Last evaluated: 2019-09-18. Review status: no assertion criteria provided. Collection method: clinical testing. Allele origin: germline. Not counted in ClinVar's aggregate classification.
Comment: This variant is classified as likely benign based on ACMG/AMP sequence variant interpretation guidelines (Richards et al. 2015 PMID: 25741868, with internal and published modifications).

NM_001379500.1(COL18A1):c.107-12601C>T

Gene: COL18A1 (collagen type XVIII alpha 1 chain; plus strand). Cytogenetic location: 21q22.3.
Variant type: single nucleotide variant.
Coding change: c.107-12601C>T on transcript NM_001379500.1 (MANE Select); 12601 bases into the intron before coding-DNA position 107, C replaced by T.
Molecular consequence: intron variant. On other transcripts: synonymous variant (2).
Genome position (GRCh38, 1-based): chr21:45,455,641, C>T. VCF-style: chr21-45455641-C-T. GRCh37 (hg19) VCF-style: chr21-46875555-C-T.
Other names: c.111C>T (NM_030582.3); c.111C>T, p.Asp37= (NM_030582.4, NM_130444.3).
Identifiers: ClinVar variation 1588195 (VCV001588195.12), dbSNP rs748717777, ClinGen allele CA10065387.